The following is an entry in ClinVar:

NM_004700.4(KCNQ4):c.835-1G>T

Gene: KCNQ4 (potassium voltage-gated channel subfamily Q member 4; plus strand). Cytogenetic location: 1p34.2.
Variant type: single nucleotide variant.
Coding change: c.835-1G>T on transcript NM_004700.4 (MANE Select); the canonical splice acceptor site of the intron before coding-DNA position 835, G replaced by T.
Molecular consequence: splice acceptor variant.
Genome position (GRCh38, 1-based): chr1:40,819,874, G>T. VCF-style: chr1-40819874-G-T. GRCh37 (hg19) VCF-style: chr1-41285546-G-T.
Other names: c.835-1G>T (NM_172163.3).
Identifiers: ClinVar variation 4680879 (VCV004680879.1).

ClinVar aggregate classification (germline): Likely pathogenic (1 of 4 stars; one submission).

Submission:

GeneDx
Classification: Likely pathogenic. Last evaluated: 2025-06-30. Review status: criteria provided, single submitter. Criteria: GeneDx Variant Classification Process June 2021. Collection method: clinical testing. Allele origin: germline. Affected: yes.
Comment: Canonical splice site variant predicted to result in an in-frame loss of the adjacent exon in a gene for which loss of function is a known mechanism of disease; Not observed at significant frequency in large population cohorts (gnomAD); This variant is associated with the following publications: (PMID: 32382995, 34599366)